The following is an entry in ClinVar:

ClinVar aggregate classification (germline): Likely pathogenic. Review status: criteria provided, single submitter (1 of 4 stars). 2 submissions from 2 submitters: Likely pathogenic (1). 1 of the submissions does not count toward it. Last evaluated 2024-10-08.

Conditions:
Coats disease. Also called: NDP-Related Coats Disease; RETINAL TELANGIECTASIS. Identifiers: Orphanet 190, MedGen C5964756, MONDO:0010269, OMIM 300216.
Familial exudative vitreoretinopathy. Identifiers: Orphanet 891, MedGen C0339539, MeSH D000080345, MONDO:0019516.

Allele frequency attached by ClinVar (database versions not stated): TOPMed below 0.00001.

Submissions (2):

Labcorp Genetics (formerly Invitae), Labcorp
Classification: Likely pathogenic. Last evaluated: 2024-10-08. Review status: criteria provided, single submitter. Criteria: Invitae Variant Classification Sherloc (09022015). Collection method: clinical testing. Allele origin: germline.
Comment: This sequence change affects a donor splice site in intron 10 of the RCBTB1 gene. It is expected to disrupt RNA splicing. Variants that disrupt the donor or acceptor splice site typically lead to a loss of protein function (PMID: 16199547), and loss-of-function variants in RCBTB1 are known to be pathogenic (PMID: 31494449). This variant is not present in population databases (gnomAD no frequency). Disruption of this splice site has been observed in individual(s) with RCBTB1-related conditions (PMID: 33104391). ClinVar contains an entry for this variant (Variation ID: 224621). Algorithms developed to predict the effect of sequence changes on RNA splicing suggest that this variant may disrupt the consensus splice site. In summary, the currently available evidence indicates that the variant is pathogenic, but additional data are needed to prove that conclusively. Therefore, this variant has been classified as Likely Pathogenic.

Laboratory of Human Molecular Genetics, Department of Medical Research, Taipei Veterans General Hospital
Classification: Likely pathogenic for Exudative retinopathy; Familial exudative vitreoretinopathy. Review status: no assertion criteria provided. Collection method: research. Allele origin: germline. Affected: yes. Observed: 4 variant alleles. Not counted in ClinVar's aggregate classification.

Literature cited by the submitters: PubMed 16199547 (cited by Labcorp Genetics (formerly Invitae), Labcorp); PubMed 31494449 (cited by Labcorp Genetics (formerly Invitae), Labcorp); PubMed 33104391 (cited by Labcorp Genetics (formerly Invitae), Labcorp); PubMed 26908610 (cited by Laboratory of Human Molecular Genetics, Department of Medical Research, Taipei Veterans General Hospital).

NM_018191.4(RCBTB1):c.1172+1G>A

Gene: RCBTB1 (RCC1 and BTB domain containing protein 1; minus strand). Cytogenetic location: 13q14.2.
Variant type: single nucleotide variant.
Coding change: c.1172+1G>A on transcript NM_018191.4 (MANE Select); the canonical splice donor site of the intron after coding-DNA position 1172, G replaced by A.
Molecular consequence: splice donor variant.
Genome position (GRCh38, 1-based): chr13:49,544,736, C>T on the plus strand (G>A on the coding strand, the complement: RCBTB1 is on the minus strand). VCF-style: chr13-49544736-C-T. GRCh37 (hg19) VCF-style: chr13-50118872-C-T.
Other names: c.1172+1G>A (NM_001352501.2, NM_001352502.2, NM_001352503.2 and 2 more transcripts); c.593+1G>A (NM_001352506.2).
Identifiers: ClinVar variation 224621 (VCV000224621.3), dbSNP rs869312819, ClinGen allele CA353562.